The following is an entry in ClinVar:

ClinVar aggregate classification (germline): Likely pathogenic (1 of 4 stars; one submission).

Conditions:
Joubert syndrome 23 (JBTS23). Identifiers: Orphanet 475, MedGen C4084822, MONDO:0014664, OMIM 616490.
Short-rib thoracic dysplasia 14 with polydactyly (SRTD14). Identifiers: Orphanet 397715, MedGen C4225286, MONDO:0014688, OMIM 616546.

Submission:

Labcorp Genetics (formerly Invitae), Labcorp
Classification: Likely pathogenic for Joubert syndrome 23; Short-rib thoracic dysplasia 14 with polydactyly. Last evaluated: 2023-04-24. Review status: criteria provided, single submitter. Criteria: Invitae Variant Classification Sherloc (09022015). Collection method: clinical testing. Allele origin: germline.
Comment: In summary, the currently available evidence indicates that the variant is pathogenic, but additional data are needed to prove that conclusively. Therefore, this variant has been classified as Likely Pathogenic. Experimental studies and prediction algorithms are not available or were not evaluated, and the functional significance of this variant is currently unknown. This variant has not been reported in the literature in individuals affected with KIAA0586-related conditions. This variant results in a copy number gain of the genomic region encompassing exon(s) 3-5 of the KIAA0586 gene. While the exact position of this variant cannot be determined from the data, sub-genic copy number gains are generally in tandem (PMID: 25640679). This variant is predicted to be out-of-frame, and may result in an absent or disrupted protein product. Loss-of-function variants in KIAA0586 are known to be pathogenic (PMID: 26096313, 26166481, 26386044).

Literature cited by the submitters: PubMed 25640679; PubMed 26096313; PubMed 26166481; PubMed 26386044.

NC_000014.8:g.(?_58896061)_(58899195_?)dup

Gene: KIAA0586 (KIAA0586; plus strand). Cytogenetic location: 14q23.1.
Variant type: Duplication.
Identifiers: ClinVar variation 2424016 (VCV002424016.3).